The following is an entry in ClinVar:

ClinVar aggregate classification (germline): Likely benign (0 of 4 stars; one submission).

Conditions:
NRP1-related disorder. Also called: NRP1-related condition.

Submission:

PreventionGenetics, part of Exact Sciences
Classification: Likely benign for NRP1-related condition. Last evaluated: 2024-06-28. Review status: no assertion criteria provided. Collection method: clinical testing. Allele origin: germline.
Comment: This variant is classified as likely benign based on ACMG/AMP sequence variant interpretation guidelines (Richards et al. 2015 PMID: 25741868, with internal and published modifications).

NM_003873.7(NRP1):c.30C>T (p.Ala10=)

Gene: NRP1 (neuropilin 1; minus strand). Cytogenetic location: 10p11.22.
Variant type: single nucleotide variant.
Coding change: c.30C>T on transcript NM_003873.7 (MANE Select); coding-DNA position 30, C replaced by T.
Protein change: p.Ala10=; no amino-acid change (alanine 10 retained).
Molecular consequence: synonymous variant. On other transcripts: non-coding transcript variant (1).
Genome position (GRCh38, 1-based): chr10:33,334,353, G>A on the plus strand (C>T on the coding strand, the complement: NRP1 is on the minus strand). VCF-style: chr10-33334353-G-A. GRCh37 (hg19) VCF-style: chr10-33623281-G-A.
Other names: c.30C>T, p.Ala10= (NM_001024628.3, NM_001024629.3, NM_001244972.2 and 2 more transcripts).
Identifiers: ClinVar variation 3350672 (VCV003350672.1).